The following is an entry in ClinVar:

ClinVar aggregate classification (germline): Uncertain significance. Review status: criteria provided, multiple submitters, no conflicts (2 of 4 stars). 2 submissions from 2 submitters: Uncertain significance (2). Last evaluated 2025-06-15.

Conditions:
SETBP1-related disorder. Also called: SETBP1-related condition; SETBP1-related disorders.

Submissions (2):

Labcorp Genetics (formerly Invitae), Labcorp
Classification: Uncertain significance. Last evaluated: 2025-06-15. Review status: criteria provided, single submitter. Criteria: Invitae Variant Classification Sherloc (09022015). Collection method: clinical testing. Allele origin: germline.
Comment: This sequence change replaces glutamine, which is neutral and polar, with arginine, which is basic and polar, at codon 1129 of the SETBP1 protein (p.Gln1129Arg). This variant is not present in population databases (gnomAD no frequency). This variant has not been reported in the literature in individuals affected with SETBP1-related conditions. Invitae Evidence Modeling of protein sequence and biophysical properties (such as structural, functional, and spatial information, amino acid conservation, physicochemical variation, residue mobility, and thermodynamic stability) indicates that this missense variant is not expected to disrupt SETBP1 protein function with a negative predictive value of 80%. In summary, the available evidence is currently insufficient to determine the role of this variant in disease. Therefore, it has been classified as a Variant of Uncertain Significance.

PreventionGenetics, part of Exact Sciences
Classification: Uncertain significance for SETBP1-related condition. Last evaluated: 2024-12-18. Review status: criteria provided, single submitter. Criteria: ACMG Guidelines, 2015. Collection method: clinical testing. Allele origin: germline.
Comment: The SETBP1 c.3386A>G variant is predicted to result in the amino acid substitution p.Gln1129Arg. To our knowledge, this variant has not been reported in the literature or in a large population database (gnomAD), indicating this variant is rare. At this time, the clinical significance of this variant is uncertain due to the absence of conclusive functional and genetic evidence.

NM_015559.3(SETBP1):c.3386A>G (p.Gln1129Arg)

Gene: SETBP1 (SET binding protein 1; plus strand). Cytogenetic location: 18q12.3.
Variant type: single nucleotide variant.
Coding change: c.3386A>G on transcript NM_015559.3 (MANE Select); coding-DNA position 3386, A replaced by G.
Protein change: p.Gln1129Arg; replaces glutamine 1129 with arginine.
Molecular consequence: missense variant.
Genome position (GRCh38, 1-based): chr18:44,952,726, A>G. VCF-style: chr18-44952726-A-G. GRCh37 (hg19) VCF-style: chr18-42532691-A-G.
Other names: c.3386A>G, p.Gln1129Arg (NM_001379141.1, NM_001379142.1, NM_001410862.1); c.3386A>G (NM_015559.2); short protein forms Q1129R.
Identifiers: ClinVar variation 4809680 (VCV004809680.2).